The following is an entry in ClinVar:

ClinVar aggregate classification (germline): Uncertain significance (1 of 4 stars; one submission).

Submission:

Labcorp Genetics (formerly Invitae), Labcorp
Classification: Uncertain significance. Last evaluated: 2025-03-04. Review status: criteria provided, single submitter. Criteria: Invitae Variant Classification Sherloc (09022015). Collection method: clinical testing. Allele origin: germline.
Comment: This sequence change replaces serine, which is neutral and polar, with isoleucine, which is neutral and non-polar, at codon 4713 of the ADGRV1 protein (p.Ser4713Ile). This variant is not present in population databases (gnomAD no frequency). This variant has not been reported in the literature in individuals affected with ADGRV1-related conditions. ClinVar contains an entry for this variant (Variation ID: 1421191). Invitae Evidence Modeling of protein sequence and biophysical properties (such as structural, functional, and spatial information, amino acid conservation, physicochemical variation, residue mobility, and thermodynamic stability) indicates that this missense variant is not expected to disrupt ADGRV1 protein function with a negative predictive value of 95%. In summary, the available evidence is currently insufficient to determine the role of this variant in disease. Therefore, it has been classified as a Variant of Uncertain Significance.

NM_032119.4(ADGRV1):c.14138G>T (p.Ser4713Ile)

Gene: ADGRV1 (adhesion G protein-coupled receptor V1; plus strand). Cytogenetic location: 5q14.3.
Variant type: single nucleotide variant.
Coding change: c.14138G>T on transcript NM_032119.4 (MANE Select); coding-DNA position 14138, G replaced by T.
Protein change: p.Ser4713Ile; replaces serine 4713 with isoleucine.
Molecular consequence: missense variant. On other transcripts: non-coding transcript variant (1).
Genome position (GRCh38, 1-based): chr5:90,790,967, G>T. VCF-style: chr5-90790967-G-T. GRCh37 (hg19) VCF-style: chr5-90086784-G-T.
Other names: short protein forms S4713I.
Identifiers: ClinVar variation 1421191 (VCV001421191.6), dbSNP rs770285573, ClinGen allele CA360400004.